The following is an entry in ClinVar:

NM_001177316.2(SLC34A3):c.1094-44_1134del

Gene: SLC34A3 (solute carrier family 34 member 3; plus strand). Cytogenetic location: 9q34.3.
Variant type: Deletion.
Coding change: c.1094-44_1134del on transcript NM_001177316.2 (MANE Select); 44 bases into the intron before coding-DNA position 1094 through coding-DNA position 1134, 85 bases deleted.
Molecular consequence: splice acceptor variant.
Genome position (GRCh38, 1-based): chr9:137,234,372-137,234,456, 85 bases deleted. GRCh37 (hg19): chr9:140,128,824-140,128,908.
Other names: c.1094-44_1134del (NM_001177317.2, NM_080877.3).
Identifiers: ClinVar variation 3627028 (VCV003627028.2).

ClinVar aggregate classification (germline): Likely pathogenic (1 of 4 stars; one submission).

Submission:

Labcorp Genetics (formerly Invitae), Labcorp
Classification: Likely pathogenic. Last evaluated: 2025-01-15. Review status: criteria provided, single submitter. Criteria: Invitae Variant Classification Sherloc (09022015). Collection method: clinical testing. Allele origin: germline.
Comment: This variant results in the deletion of part of exon 11 (c.1094-44_1134del) of the SLC34A3 gene. It is expected to disrupt RNA splicing. Variants that disrupt the donor or acceptor splice site typically lead to a loss of protein function (PMID: 16199547), and loss-of-function variants in SLC34A3 are known to be pathogenic (PMID: 16358214, 16358215, 22159077). This variant is not present in population databases (gnomAD no frequency). This variant has not been reported in the literature in individuals affected with SLC34A3-related conditions. In summary, the currently available evidence indicates that the variant is pathogenic, but additional data are needed to prove that conclusively. Therefore, this variant has been classified as Likely Pathogenic.

Literature cited by the submitters: PubMed 16199547; PubMed 16358214; PubMed 16358215; PubMed 22159077.